The following is an entry in ClinVar:

ClinVar aggregate classification (germline): Uncertain significance (1 of 4 stars; one submission).

Conditions:
Multiple congenital exostosis (EXT). Also called: Hereditary multiple exostoses; Hereditary multiple exostosis; Multiple osteochondromas; MULTIPLE CARTILAGINOUS EXOSTOSES; Hereditary multiple osteochondromas; Multiple exostoses. Identifiers: Orphanet 321, MedGen C0015306, MONDO:0005508, HP:0002762.

Submission:

Labcorp Genetics (formerly Invitae), Labcorp
Classification: Uncertain significance for Multiple congenital exostosis. Last evaluated: 2024-01-18. Review status: criteria provided, single submitter. Criteria: Invitae Variant Classification Sherloc (09022015). Collection method: clinical testing. Allele origin: germline.
Comment: This sequence change replaces histidine, which is basic and polar, with asparagine, which is neutral and polar, at codon 397 of the EXT1 protein (p.His397Asn). This variant is not present in population databases (gnomAD no frequency). This variant has not been reported in the literature in individuals affected with EXT1-related conditions. Advanced modeling of protein sequence and biophysical properties (such as structural, functional, and spatial information, amino acid conservation, physicochemical variation, residue mobility, and thermodynamic stability) performed at Invitae indicates that this missense variant is not expected to disrupt EXT1 protein function with a negative predictive value of 80%. In summary, the available evidence is currently insufficient to determine the role of this variant in disease. Therefore, it has been classified as a Variant of Uncertain Significance.

NM_000127.3(EXT1):c.1189C>A (p.His397Asn)

Gene: EXT1 (exostosin glycosyltransferase 1; minus strand). Cytogenetic location: 8q24.11.
Variant type: single nucleotide variant.
Coding change: c.1189C>A on transcript NM_000127.3 (MANE Select); coding-DNA position 1189, C replaced by A.
Protein change: p.His397Asn; replaces histidine 397 with asparagine.
Molecular consequence: missense variant.
Genome position (GRCh38, 1-based): chr8:117,830,325, G>T on the plus strand (C>A on the coding strand, the complement: EXT1 is on the minus strand). VCF-style: chr8-117830325-G-T. GRCh37 (hg19) VCF-style: chr8-118842564-G-T.
Other names: short protein forms H397N.
Identifiers: ClinVar variation 2706164 (VCV002706164.3), dbSNP rs1812077908, ClinGen allele CA371890615.
Genomic context (GRCh38, chr8:117,830,325, plus strand): 5'-AAAAATAAGCCTCCCACAAGAATTGTGTCTGCTGTCTAAGTGCTAGGATTTTATCCTGAT[G>T]AATAGACCTGATTGTAGAAGGAATCTGTAACACAAGGTGAACACATAGGAATTATAACTG-3'
Protein context (NP_000118.2, residues 387-407): LQIPSTIRSI[His397Asn]QDKILALRQQ